The following is an entry in ClinVar:

NM_030665.4(RAI1):c.5659+4C>T

Gene: RAI1 (retinoic acid induced 1; plus strand). Cytogenetic location: 17p11.2.
Variant type: single nucleotide variant.
Coding change: c.5659+4C>T on transcript NM_030665.4 (MANE Select); 4 bases into the intron after coding-DNA position 5659, C replaced by T.
Molecular consequence: intron variant.
Genome position (GRCh38, 1-based): chr17:17,803,853, C>T. VCF-style: chr17-17803853-C-T. GRCh37 (hg19) VCF-style: chr17-17707167-C-T.
Identifiers: ClinVar variation 1298694 (VCV001298694.38), dbSNP rs771668748, ClinGen allele CA8419237.
Genomic context (GRCh38, chr17:17,803,853, plus strand): 5'-GGTGCTGCCACAAAGGATGCCTCCACACCTACCACTACCCGTGTGCCAGCGATGCAGGTA[C>T]GAGCCCGCCCAGGAACAGGAGGGCATTGGAGCCCATCCAAGCAGTCCAGGGGGACCCTCC-3'

ClinVar aggregate classification (germline): Conflicting classifications of pathogenicity. Review status: criteria provided, conflicting classifications (1 of 4 stars). 2 submissions from 2 submitters: Uncertain significance (1); Likely benign (1). Last evaluated 2025-10-04.

Allele frequency attached by ClinVar (database versions not stated): gnomAD 0.00001; gnomAD exomes 0.00001 and 0.00002; ExAC 0.00002; TOPMed 0.00002.
gnomAD v4.1: 21 of 1,612,538 alleles (0.0013%); highest among the groups gnomAD compares: Middle Eastern, 0.033%; no homozygotes.

Submissions (2):

Labcorp Genetics (formerly Invitae), Labcorp
Classification: Uncertain significance. Last evaluated: 2025-10-04. Review status: criteria provided, single submitter. Criteria: Invitae Variant Classification Sherloc (09022015). Collection method: clinical testing. Allele origin: germline.
Comment: This sequence change falls in intron 4 of the RAI1 gene. It does not directly change the encoded amino acid sequence of the RAI1 protein. It affects a nucleotide within the consensus splice site. This variant is present in population databases (rs771668748, gnomAD 0.007%). This variant has not been reported in the literature in individuals affected with RAI1-related conditions. ClinVar contains an entry for this variant (Variation ID: 1298694). Variants that disrupt the consensus splice site are a relatively common cause of aberrant splicing (PMID: 17576681, 9536098). Algorithms developed to predict the effect of sequence changes on RNA splicing suggest that this variant is not likely to affect RNA splicing. In summary, the available evidence is currently insufficient to determine the role of this variant in disease. Therefore, it has been classified as a Variant of Uncertain Significance.

CeGaT Center for Human Genetics Tuebingen
Classification: Likely benign. Last evaluated: 2021-09-01. Review status: criteria provided, single submitter. Criteria: CeGaT Center For Human Genetics Tuebingen Variant Classification Criteria Version 2. Collection method: clinical testing. Allele origin: germline. Affected: yes. Observed: 1 variant allele.

Literature cited by the submitters: PubMed 17576681 (cited by Labcorp Genetics (formerly Invitae), Labcorp); PubMed 9536098 (cited by Labcorp Genetics (formerly Invitae), Labcorp).